The following is an entry in ClinVar:

ClinVar aggregate classification (germline): Uncertain significance. Review status: criteria provided, multiple submitters, no conflicts (2 of 4 stars). 2 submissions from 2 submitters: Uncertain significance (2). Last evaluated 2025-11-05.

gnomAD v4.1: 7 of 1,614,092 alleles (0.00043%); highest among the groups gnomAD compares: South Asian, 0.0011%; no homozygotes.

Submissions (2):

Ambry Genetics
Classification: Uncertain significance. Last evaluated: 2025-11-05. Review status: criteria provided, single submitter. Criteria: Ambry Variant Classification Scheme 2023. Collection method: clinical testing. Allele origin: germline.

Labcorp Genetics (formerly Invitae), Labcorp
Classification: Uncertain significance. Last evaluated: 2025-08-26. Review status: criteria provided, single submitter. Criteria: Invitae Variant Classification Sherloc (09022015). Collection method: clinical testing. Allele origin: germline.
Comment: This sequence change replaces serine, which is neutral and polar, with leucine, which is neutral and non-polar, at codon 180 of the MYLIP protein (p.Ser180Leu). This variant is present in population databases (rs747981623, gnomAD 0.002%). This variant has not been reported in the literature in individuals affected with MYLIP-related conditions. An algorithm developed to predict the effect of missense changes on protein structure and function (PolyPhen-2) suggests that this variant is likely to be tolerated. In summary, the available evidence is currently insufficient to determine the role of this variant in disease. Therefore, it has been classified as a Variant of Uncertain Significance.

NM_013262.4(MYLIP):c.539C>T (p.Ser180Leu)

Gene: MYLIP (myosin regulatory light chain interacting protein; plus strand). Cytogenetic location: 6p22.3.
Variant type: single nucleotide variant.
Coding change: c.539C>T on transcript NM_013262.4 (MANE Select); coding-DNA position 539, C replaced by T.
Protein change: p.Ser180Leu; replaces serine 180 with leucine.
Molecular consequence: missense variant.
Genome position (GRCh38, 1-based): chr6:16,143,094, C>T. VCF-style: chr6-16143094-C-T. GRCh37 (hg19) VCF-style: chr6-16143325-C-T.
Other names: c.539C>T, p.Ser180Leu (NM_001436627.1); short protein forms S180L.
Identifiers: ClinVar variation 4554936 (VCV004554936.2).
Genomic context (GRCh38, chr6:16,143,094, plus strand): 5'-ATAAGGAGTTGGAGGGGACCAGCCAGGCTTCAGCTGAATACCAAGTTTTGCAGATTGTGT[C>T]GGCAATGGAAAACTATGGCATAGAATGGCATTCTGTGCGGGATAGCGAAGGGCAGAAACT-3'
Protein context (NP_037394.2, residues 170-190): SAEYQVLQIV[Ser180Leu]AMENYGIEWH